The following is an entry in ClinVar:

NM_001329943.3(KIAA0586):c.2960G>A (p.Ser987Asn)

Gene: KIAA0586 (KIAA0586; plus strand). Cytogenetic location: 14q23.1.
Variant type: single nucleotide variant.
Coding change: c.2960G>A on transcript NM_001329943.3 (MANE Select); coding-DNA position 2960, G replaced by A.
Protein change: p.Ser987Asn; replaces serine 987 with asparagine.
Molecular consequence: missense variant.
Genome position (GRCh38, 1-based): chr14:58,482,528, G>A. VCF-style: chr14-58482528-G-A. GRCh37 (hg19) VCF-style: chr14-58949246-G-A.
Other names: c.3119G>A, p.Ser1040Asn (NM_001244189.2); c.2915G>A, p.Ser972Asn (NM_001244190.2); c.2705G>A, p.Ser902Asn (NM_001244191.2, NM_001329945.2, NM_001364700.1 and 1 more transcripts); c.2828G>A, p.Ser943Asn (NM_001244192.2); c.2540G>A, p.Ser847Asn (NM_001244193.2); c.2960G>A, p.Ser987Asn (NM_001329944.2, NM_001329946.2, NM_001329947.2); c.2732G>A, p.Ser911Asn (NM_014749.5); short protein forms S911N, S943N, S987N, S1040N, S902N, S847N, S972N.
Identifiers: ClinVar variation 2091803 (VCV002091803.1), dbSNP rs751370112, ClinGen allele CA7206029.

ClinVar aggregate classification (germline): Uncertain significance (1 of 4 stars; one submission).

Conditions:
Short-rib thoracic dysplasia 14 with polydactyly (SRTD14). Identifiers: Orphanet 397715, MedGen C4225286, MONDO:0014688, OMIM 616546.
Joubert syndrome 23 (JBTS23). Identifiers: Orphanet 475, MedGen C4084822, MONDO:0014664, OMIM 616490.

Allele frequency attached by ClinVar (database versions not stated): gnomAD exomes below 0.00001; TOPMed below 0.00001; ExAC 0.00001.
gnomAD v4.1: 6 of 1,539,244 alleles (0.00039%); highest among the groups gnomAD compares: Non-Finnish European, 0.00053%; no homozygotes.

Submission:

Labcorp Genetics (formerly Invitae), Labcorp
Classification: Uncertain significance for Joubert syndrome 23; Short-rib thoracic dysplasia 14 with polydactyly. Last evaluated: 2022-07-05. Review status: criteria provided, single submitter. Criteria: Invitae Variant Classification Sherloc (09022015). Collection method: clinical testing. Allele origin: germline.
Comment: This sequence change replaces serine, which is neutral and polar, with asparagine, which is neutral and polar, at codon 1040 of the KIAA0586 protein (p.Ser1040Asn). This variant is present in population databases (rs751370112, gnomAD 0.001%). This variant has not been reported in the literature in individuals affected with KIAA0586-related conditions. Algorithms developed to predict the effect of missense changes on protein structure and function output the following: SIFT: "Tolerated"; PolyPhen-2: "Benign"; Align-GVGD: "Class C0". The asparagine amino acid residue is found in multiple mammalian species, which suggests that this missense change does not adversely affect protein function. In summary, the available evidence is currently insufficient to determine the role of this variant in disease. Therefore, it has been classified as a Variant of Uncertain Significance.